The following is an entry in ClinVar:

NM_144988.4(ALG14):c.288+4A>G

Genes: ALG14-AS1 (ALG14 antisense RNA 1; plus strand), ALG14 (ALG14 UDP-N-acetylglucosaminyltransferase subunit; minus strand). Cytogenetic location: 1p21.3.
Variant type: single nucleotide variant.
Coding change: c.288+4A>G on transcript NM_144988.4 (MANE Select); 4 bases into the intron after coding-DNA position 288, A replaced by G.
Molecular consequence: intron variant.
Genome position (GRCh38, 1-based): chr1:95,064,862, T>C on the plus strand (A>G on the coding strand, the complement: ALG14 is on the minus strand). VCF-style: chr1-95064862-T-C. GRCh37 (hg19) VCF-style: chr1-95530418-T-C.
Other names: c.288+4A>G (NM_144988.3, NM_001305242.2).
Identifiers: ClinVar variation 1486917 (VCV001486917.8), dbSNP rs2100841130, ClinGen allele CA2573132734.

ClinVar aggregate classification (germline): Uncertain significance. Review status: criteria provided, multiple submitters, no conflicts (2 of 4 stars). 5 submissions from 3 submitters: Uncertain significance (5). Last evaluated 2023-04-11.

Conditions:
Congenital myasthenic syndrome 15. Also called: Myasthenic syndrome, congenital, 15, without tubular aggregates. Identifiers: Orphanet 353327, Orphanet 590, MedGen C4015596, MONDO:0014542, OMIM 616227.
Inborn genetic diseases. Identifiers: MedGen C0950123, MeSH D030342.
Myopathy, epilepsy, and progressive cerebral atrophy. Identifiers: MedGen C5436652, MONDO:0033619, OMIM 619036.
Intellectual developmental disorder with epilepsy, behavioral abnormalities, and coarse facies. Identifiers: MedGen C5436646, MONDO:0033572, OMIM 619031.

Submissions (5):

Genome-Nilou Lab
Classification: Uncertain significance for Congenital myasthenic syndrome 15. Last evaluated: 2023-04-11. Review status: criteria provided, single submitter. Criteria: ACMG Guidelines, 2015. Collection method: clinical testing. Allele origin: germline. Affected: no.

Genome-Nilou Lab
Classification: Uncertain significance for Intellectual developmental disorder with epilepsy, behavioral abnormalities, and coarse facies. Last evaluated: 2023-04-11. Review status: criteria provided, single submitter. Criteria: ACMG Guidelines, 2015. Collection method: clinical testing. Allele origin: germline. Affected: no.

Genome-Nilou Lab
Classification: Uncertain significance for Myopathy, epilepsy, and progressive cerebral atrophy. Last evaluated: 2023-04-11. Review status: criteria provided, single submitter. Criteria: ACMG Guidelines, 2015. Collection method: clinical testing. Allele origin: germline. Affected: no.

Ambry Genetics
Classification: Uncertain significance for Inborn genetic diseases. Last evaluated: 2022-08-08. Review status: criteria provided, single submitter. Criteria: Ambry Variant Classification Scheme 2023. Collection method: clinical testing. Allele origin: germline.
Comment: The c.288+4A>G intronic alteration results from an A to G substitution 4 nucleotides after coding exon 2 in the ALG14 gene. This variant was not reported in population-based cohorts in the Genome Aggregation Database (gnomAD). This nucleotide position is well conserved in available vertebrate species. In silico splice site analysis predicts that this alteration will not have any significant effect on splicing. Based on insufficient or conflicting evidence, the clinical significance of this alteration remains unclear.

Labcorp Genetics (formerly Invitae), Labcorp
Classification: Uncertain significance for Congenital myasthenic syndrome 15. Last evaluated: 2021-08-25. Review status: criteria provided, single submitter. Criteria: Invitae Variant Classification Sherloc (09022015). Collection method: clinical testing. Allele origin: germline.
Comment: In summary, the available evidence is currently insufficient to determine the role of this variant in disease. Therefore, it has been classified as a Variant of Uncertain Significance. Nucleotide substitutions within the consensus splice site are a relatively common cause of aberrant splicing (PMID: 17576681, 9536098). Algorithms developed to predict the effect of sequence changes on RNA splicing suggest that this variant may disrupt the consensus splice site, but this prediction has not been confirmed by published transcriptional studies. This variant has not been reported in the literature in individuals with ALG14-related conditions. This variant is not present in population databases (ExAC no frequency). This sequence change falls in intron 2 of the ALG14 gene. It does not directly change the encoded amino acid sequence of the ALG14 protein. It affects a nucleotide within the consensus splice site of the intron.

Literature cited by the submitters: PubMed 17576681 (cited by Labcorp Genetics (formerly Invitae), Labcorp); PubMed 9536098 (cited by Labcorp Genetics (formerly Invitae), Labcorp).